The following is an entry in ClinVar:

ClinVar aggregate classification (germline): Uncertain significance. Review status: criteria provided, multiple submitters, no conflicts (2 of 4 stars). 3 submissions from 3 submitters: Uncertain significance (3). Last evaluated 2021-11-10.

Conditions:
Autosomal recessive inherited pseudoxanthoma elasticum (PXE). Identifiers: Orphanet 758, MedGen CN032334, MONDO:0009925, OMIM 264800.
Pseudoxanthoma elasticum, forme fruste. Also called: Pseudoxanthoma Elasticum, Incomplete; PSEUDOXANTHOMA ELASTICUM, HETEROZYGOUS. Identifiers: Orphanet 758, MedGen C1867450, MONDO:0008333, OMIM 177850.
Arterial calcification, generalized, of infancy, 2. Identifiers: Orphanet 51608, MedGen C3276161, MONDO:0013768, OMIM 614473.

Allele frequency attached by ClinVar (database versions not stated): TOPMed below 0.00001; gnomAD 0.00001; 1000 Genomes Project 30x 0.00016; 1000 Genomes Project 0.00020.

Submissions (3):

Fulgent Genetics
Classification: Uncertain significance for Pseudoxanthoma elasticum, forme fruste; Autosomal recessive inherited pseudoxanthoma elasticum; Arterial calcification, generalized, of infancy, 2. Last evaluated: 2021-11-10. Review status: criteria provided, single submitter. Criteria: ACMG Guidelines, 2015. Collection method: clinical testing. Allele origin: unknown.

Blueprint Genetics
Classification: Uncertain significance. Last evaluated: 2021-07-05. Review status: criteria provided, single submitter. Criteria: ACMG Guidelines, 2015. Collection method: clinical testing. Allele origin: germline.

Baylor Genetics
Classification: Uncertain significance for Arterial calcification, generalized, of infancy, 2. Last evaluated: 2019-06-21. Review status: criteria provided, single submitter. Criteria: ACMG Guidelines, 2015. Collection method: clinical testing. Allele origin: unknown. Affected: yes.
Comment: This variant was determined to be of uncertain significance according to ACMG Guidelines, 2015 [PMID:25741868].

NM_001171.6(ABCC6):c.1214C>T (p.Ala405Val)

Gene: ABCC6 (ATP binding cassette subfamily C member 6; minus strand). Cytogenetic location: 16p13.11.
Variant type: single nucleotide variant.
Coding change: c.1214C>T on transcript NM_001171.6 (MANE Select); coding-DNA position 1214, C replaced by T.
Protein change: p.Ala405Val; replaces alanine 405 with valine.
Molecular consequence: missense variant. On other transcripts: non-coding transcript variant (1).
Genome position (GRCh38, 1-based): chr16:16,198,145, G>A on the plus strand (C>T on the coding strand, the complement: ABCC6 is on the minus strand). VCF-style: chr16-16198145-G-A. GRCh37 (hg19) VCF-style: chr16-16292002-G-A.
Other names: c.872C>T, p.Ala291Val (NM_001351800.1); short protein forms A291V, A405V.
Identifiers: ClinVar variation 1030271 (VCV001030271.3), dbSNP rs115663615, ClinGen allele CA278664241.